The following is an entry in ClinVar:

NM_001267550.2(TTN):c.65140del (p.Val21714fs)

Genes: TTN-AS1 (TTN antisense RNA 1; plus strand), TTN (titin; minus strand). Cytogenetic location: 2q31.2.
Variant type: Deletion.
Coding change: c.65140del on transcript NM_001267550.2 (MANE Select); coding-DNA position 65140, one base deleted (G; older notation c.65140delG).
Protein change: p.Val21714fs; shifts the reading frame from valine 21714.
Molecular consequence: frameshift variant.
Genome position (GRCh38, 1-based): chr2:178,584,411, C deleted on the plus strand (G on the coding strand, the reverse complement: TTN is on the minus strand). VCF-style (leftmost placement, unchanged base first): chr2-178584410-AC-A. GRCh37 (hg19) VCF-style: chr2-179449137-AC-A.
Other names: c.60217del, p.Val20073fs (NM_001256850.1); c.37945del, p.Val12649fs (NM_003319.4); c.57436del, p.Val19146fs (NM_133378.4); c.38320del, p.Val12774fs (NM_133432.3); c.38521del, p.Val12841fs (NM_133437.4); short protein forms V12649fs, V12774fs, V12841fs, V19146fs, V20073fs, V21714fs.
Identifiers: ClinVar variation 3759328 (VCV003759328.2).

ClinVar aggregate classification (germline): Likely pathogenic (1 of 4 stars; one submission).

Conditions:
Dilated cardiomyopathy 1G (CMD1G). Identifiers: Orphanet 154, MedGen C1858763, MONDO:0011400, OMIM 604145.
Autosomal recessive limb-girdle muscular dystrophy type 2J (LGMDR10). Also called: Limb-girdle muscular dystrophy, type 2J; MUSCULAR DYSTROPHY, LIMB-GIRDLE, AUTOSOMAL RECESSIVE 10. Identifiers: Orphanet 140922, MedGen C1837342, MONDO:0012127, OMIM 608807.

Submission:

Labcorp Genetics (formerly Invitae), Labcorp
Classification: Likely pathogenic for Dilated cardiomyopathy 1G; Autosomal recessive limb-girdle muscular dystrophy type 2J. Last evaluated: 2024-10-02. Review status: criteria provided, single submitter. Criteria: Invitae Variant Classification Sherloc (09022015). Collection method: clinical testing. Allele origin: germline.
Comment: This sequence change creates a premature translational stop signal (p.Val21714Serfs*12) in the TTN gene. While this is not anticipated to result in nonsense mediated decay, it is expected to create a truncated TTN protein. This variant is not present in population databases (gnomAD no frequency). This variant has not been reported in the literature in individuals affected with TTN-related conditions. This variant is located in the A band of TTN (PMID: 25589632). Truncating variants in this region are significantly overrepresented in patients affected with dilated cardiomyopathy (PMID: 25589632). Truncating variants in this region have also been reported in individuals affected with autosomal recessive centronuclear myopathy (PMID: 23975875). In summary, the currently available evidence indicates that the variant is pathogenic, but additional data are needed to prove that conclusively. Therefore, this variant has been classified as Likely Pathogenic.

Literature cited by the submitters: PubMed 25589632; PubMed 23975875.